The following is an entry in ClinVar:

NM_024649.5(BBS1):c.1695+1G>A

Genes: BBS1 (Bardet-Biedl syndrome 1; plus strand), ZDHHC24 (zDHHC palmitoyltransferase 24; minus strand). Cytogenetic location: 11q13.2.
Variant type: single nucleotide variant.
Coding change: c.1695+1G>A on transcript NM_024649.5 (MANE Select); the canonical splice donor site of the intron after coding-DNA position 1695, G replaced by A.
Molecular consequence: splice donor variant. On other transcripts: intron variant (1).
Genome position (GRCh38, 1-based): chr11:66,531,743, G>A. VCF-style: chr11-66531743-G-A. GRCh37 (hg19) VCF-style: chr11-66299214-G-A.
Other names: c.560-2255C>T (NM_001348571.2).
Identifiers: ClinVar variation 1448412 (VCV001448412.6), dbSNP rs2134841394, ClinGen allele CA381426282.

ClinVar aggregate classification (germline): Pathogenic (1 of 4 stars; one submission).

Conditions:
Bardet-Biedl syndrome (BBS). Identifiers: Orphanet 110, MedGen C0752166, MONDO:0015229.

Submission:

Labcorp Genetics (formerly Invitae), Labcorp
Classification: Pathogenic for Bardet-Biedl syndrome. Last evaluated: 2021-07-22. Review status: criteria provided, single submitter. Criteria: Invitae Variant Classification Sherloc (09022015). Collection method: clinical testing. Allele origin: germline.
Comment: For these reasons, this variant has been classified as Pathogenic. This variant disrupts the C-terminus of the BBS1 protein. Other variant(s) that disrupt this region (p.Arg570*) have been observed in individuals with BBS1-related conditions (PMID: 25170860). This suggests that this may be a clinically significant region of the protein. Nucleotide substitutions within the consensus splice site are a relatively common cause of aberrant splicing (PMID: 17576681, 9536098). Algorithms developed to predict the effect of sequence changes on RNA splicing suggest that this variant may disrupt the consensus splice site. Disruption of this splice site has been observed in individual(s) with Bardet-Biedl syndrome (Invitae). This variant is not present in population databases (ExAC no frequency). This sequence change affects a donor splice site in intron 16 of the BBS1 gene. While this variant is not anticipated to result in nonsense mediated decay, it likely alters RNA splicing and results in a disrupted protein product.

Literature cited by the submitters: PubMed 25170860; PubMed 17576681; PubMed 9536098.